The following is an entry in ClinVar:

NM_003924.4(PHOX2B):c.688G>C (p.Gly230Arg)

Gene: PHOX2B (paired like homeobox 2B; minus strand). Cytogenetic location: 4p13.
Variant type: single nucleotide variant.
Coding change: c.688G>C on transcript NM_003924.4 (MANE Select); coding-DNA position 688, G replaced by C.
Protein change: p.Gly230Arg; replaces glycine 230 with arginine.
Molecular consequence: missense variant.
Genome position (GRCh38, 1-based): chr4:41,746,064, C>G on the plus strand (G>C on the coding strand, the complement: PHOX2B is on the minus strand). VCF-style: chr4-41746064-C-G. GRCh37 (hg19) VCF-style: chr4-41748081-C-G.
Other names: short protein forms G230R.
Identifiers: ClinVar variation 939976 (VCV000939976.14), dbSNP rs1733884523, ClinGen allele CA356737389.

ClinVar aggregate classification (germline): Uncertain significance. Review status: criteria provided, multiple submitters, no conflicts (2 of 4 stars). 3 submissions from 3 submitters: Uncertain significance (3). Last evaluated 2025-07-02.

Conditions:
Haddad syndrome (OHD). Also called: Ondine-Hirschsprung disease. Identifiers: Orphanet 99803, MedGen C1859049, MONDO:0020493.
Hereditary cancer-predisposing syndrome. Also called: Hereditary neoplastic syndrome; Neoplastic Syndromes, Hereditary; Tumor predisposition; Hereditary Cancer Syndrome. Identifiers: Orphanet 140162, MedGen C0027672, MeSH D009386, MONDO:0015356.

Submissions (3):

Ambry Genetics
Classification: Uncertain significance for Hereditary cancer-predisposing syndrome. Last evaluated: 2025-07-02. Review status: criteria provided, single submitter. Criteria: Ambry Variant Classification Scheme 2023. Collection method: clinical testing. Allele origin: germline.
Comment: The p.G230R variant (also known as c.688G>C), located in coding exon 3 of the PHOX2B gene, results from a G to C substitution at nucleotide position 688. The glycine at codon 230 is replaced by arginine, an amino acid with dissimilar properties. This amino acid position is highly conserved in available vertebrate species. In addition, the in silico prediction for this alteration is inconclusive. Based on the available evidence, the clinical significance of this variant remains unclear.

Sema4
Classification: Uncertain significance for Hereditary cancer-predisposing syndrome. Last evaluated: 2022-02-22. Review status: criteria provided, single submitter. Criteria: Sema4 Curation Guidelines. Collection method: curation. Allele origin: germline.
Comment: To the best of our knowledge, the PHOX2B c.688G>C (p.G230R) variant has not been reported in individuals with PHOX2B-related disease. It was not observed in the large and broad cohorts of the Genome Aggregation Database (PMID: 32461654). This variant has been reported in ClinVar (Variation ID 939976). Functional studies have not been performed, and in silico predictions of the variant's effect on protein function are inconclusive. The evidence is insufficient to meet ACMG/AMP criteria for classifying the variant as benign or pathogenic. Thus, the clinical significance of this variant is currently uncertain.

Labcorp Genetics (formerly Invitae), Labcorp
Classification: Uncertain significance for Haddad syndrome. Last evaluated: 2021-07-31. Review status: criteria provided, single submitter. Criteria: Invitae Variant Classification Sherloc (09022015). Collection method: clinical testing. Allele origin: germline.
Comment: In summary, the available evidence is currently insufficient to determine the role of this variant in disease. Therefore, it has been classified as a Variant of Uncertain Significance. This variant has not been reported in the literature in individuals with PHOX2B-related conditions. The frequency data for this variant in the population databases is considered unreliable, as metrics indicate insufficient coverage at this position in the ExAC database. This sequence change replaces glycine with arginine at codon 230 of the PHOX2B protein (p.Gly230Arg). The glycine residue is moderately conserved and there is a moderate physicochemical difference between glycine and arginine.